The following is an entry in ClinVar:

NM_001042492.3(NF1):c.8446G>A (p.Gly2816Arg)

Gene: NF1 (neurofibromin 1; plus strand). Cytogenetic location: 17q11.2.
Variant type: single nucleotide variant.
Coding change: c.8446G>A on transcript NM_001042492.3 (MANE Select); coding-DNA position 8446, G replaced by A.
Protein change: p.Gly2816Arg; replaces glycine 2816 with arginine.
Molecular consequence: missense variant.
Genome position (GRCh38, 1-based): chr17:31,374,081, G>A. VCF-style: chr17-31374081-G-A. GRCh37 (hg19) VCF-style: chr17-29701099-G-A.
Other names: c.8383G>A, p.Gly2795Arg (NM_000267.4); short protein forms G2795R, G2816R.
Identifiers: ClinVar variation 186814 (VCV000186814.14), dbSNP rs778233452, ClinGen allele CA195946.

ClinVar aggregate classification (germline): Conflicting classifications of pathogenicity. Review status: criteria provided, conflicting classifications (1 of 4 stars). 6 submissions from 5 submitters: Uncertain significance (4); Likely benign (2). Last evaluated 2025-11-05.

Conditions:
Hereditary cancer-predisposing syndrome. Also called: Hereditary Cancer Syndrome; Neoplastic Syndromes, Hereditary; Tumor predisposition; Hereditary neoplastic syndrome. Identifiers: Orphanet 140162, MedGen C0027672, MeSH D009386, MONDO:0015356.
Cardiovascular phenotype. Identifiers: MedGen CN230736.
Juvenile myelomonocytic leukemia (JMML). Also called: LEUKEMIA, JUVENILE MYELOMONOCYTIC, SOMATIC. Identifiers: Orphanet 86834, MedGen C0349639, MONDO:0011908, OMIM 607785, HP:0012209.
Café-au-lait macules with pulmonary stenosis (WTSN). Also called: PULMONIC STENOSIS WITH CAFE-AU-LAIT SPOTS. Identifiers: MedGen C0553586, MONDO:0008672, OMIM 193520.
Neurofibromatosis, type 1 (NF1). Also called: NEUROFIBROMATOSIS, TYPE I, SOMATIC; VON RECKLINGHAUSEN DISEASE; Peripheral type neurofibromatosis; Neurofibromatosis, type I. Identifiers: Orphanet 636, MedGen C0027831, MONDO:0018975, OMIM 162200. Disease mechanism: loss of function.
Neurofibromatosis-Noonan syndrome (NFNS). Also called: NEUROFIBROMATOSIS WITH NOONAN PHENOTYPE. Identifiers: Orphanet 638, MedGen C2931482, MONDO:0011035, OMIM 601321. Disease mechanism: loss of function.
Neurofibromatosis, familial spinal (FSNF). Identifiers: Orphanet 636, MedGen C1834235, MONDO:0008078, OMIM 162210. Disease mechanism: loss of function.

Allele frequency attached by ClinVar (database versions not stated): gnomAD exomes below 0.00001 and 0.00001; TOPMed below 0.00001; gnomAD 0.00001; ExAC 0.00002.
gnomAD v4.1: 5 of 1,613,966 alleles (0.00031%); highest among the groups gnomAD compares: East Asian, 0.0067%; no homozygotes.

Submissions (6):

Labcorp Genetics (formerly Invitae), Labcorp
Classification: Likely benign for Neurofibromatosis, type 1. Last evaluated: 2025-11-05. Review status: criteria provided, single submitter. Criteria: Invitae Variant Classification Sherloc (09022015). Collection method: clinical testing. Allele origin: germline.

Women's Health and Genetics/Laboratory Corporation of America, LabCorp
Classification: Uncertain significance. Last evaluated: 2023-12-21. Review status: criteria provided, single submitter. Criteria: LabCorp Variant Classification Summary - May 2015. Collection method: clinical testing. Allele origin: germline.
Comment: Variant summary: NF1 c.8383G>A (p.Gly2795Arg) results in a non-conservative amino acid change in the encoded protein sequence. Three of four in-silico tools predict a damaging effect of the variant on protein function. The variant allele was found at a frequency of 8e-06 in 251232 control chromosomes. The available data on variant occurrences in the general population are insufficient to allow any conclusion about variant significance. To our knowledge, no occurrence of c.8383G>A in individuals affected with Neurofibromatosis Type 1 and no experimental evidence demonstrating its impact on protein function have been reported. Five submitters have cited clinical-significance assessments for this variant to ClinVar after 2014 (VUS, n=4; Likely benign, n=1). Based on the evidence outlined above, the variant was classified as uncertain significance.

Fulgent Genetics
Classification: Uncertain significance for Neurofibromatosis, type 1; Neurofibromatosis, familial spinal; Café-au-lait macules with pulmonary stenosis; Neurofibromatosis-Noonan syndrome; Juvenile myelomonocytic leukemia. Last evaluated: 2022-03-18. Review status: criteria provided, single submitter. Criteria: ACMG Guidelines, 2015. Collection method: clinical testing. Allele origin: unknown.

Genome-Nilou Lab
Classification: Uncertain significance for Neurofibromatosis, type 1. Last evaluated: 2022-03-15. Review status: criteria provided, single submitter. Criteria: ACMG Guidelines, 2015. Collection method: clinical testing. Allele origin: germline. Affected: no.

Ambry Genetics
Classification: Likely benign for Cardiovascular phenotype; Hereditary cancer-predisposing syndrome. Last evaluated: 2021-09-29. Review status: criteria provided, single submitter. Criteria: Ambry Variant Classification Scheme 2023. Collection method: clinical testing. Allele origin: germline.

Ambry Genetics
Classification: Uncertain significance for Hereditary cancer-predisposing syndrome. Last evaluated: 2015-08-28. Review status: criteria provided, single submitter. Criteria: Ambry Autosomal Dominant and X-Linked criteria (10/2015). Collection method: clinical testing. Allele origin: germline. Observed: 1 variant allele.
Comment: The p.G2816R variant (also known as c.8446G>A), located in coding exon 58 of the NF1 gene, results from a G to A substitution at nucleotide position 8446. The glycine at codon 2816 is replaced by arginine, an amino acid with dissimilar properties. This variant was not reported in population based cohorts in the following databases: Database of Single Nucleotide Polymorphisms (dbSNP), NHLBI Exome Sequencing Project (ESP), and 1000 Genomes Project. In the ESP, this variant was not observed in 6503 samples (13006 alleles) with coverage at this position. To date, this alteration has been detected with an allele frequency of approximately 0.01% (greater than 55000 alleles tested) in our clinical cohort. This amino acid position is highly conserved in available vertebrate species. In addition, this alteration is predicted to be probably damaging and deleterious by PolyPhen and SIFT in silico analyses, respectively. Since supporting evidence is limited at this time, the clinical significance of p.G2816R remains unclear.